The following is an entry in ClinVar:

NM_003128.3(SPTBN1):c.3580C>T (p.His1194Tyr)

Gene: SPTBN1 (spectrin beta, non-erythrocytic 1; plus strand). Cytogenetic location: 2p16.2.
Variant type: single nucleotide variant.
Coding change: c.3580C>T on transcript NM_003128.3 (MANE Select); coding-DNA position 3580, C replaced by T.
Protein change: p.His1194Tyr; replaces histidine 1194 with tyrosine.
Molecular consequence: missense variant.
Genome position (GRCh38, 1-based): chr2:54,632,581, C>T. VCF-style: chr2-54632581-C-T. GRCh37 (hg19) VCF-style: chr2-54859718-C-T.
Other names: c.3541C>T, p.His1181Tyr (NM_178313.3); short protein forms H1181Y, H1194Y.
Identifiers: ClinVar variation 4526952 (VCV004526952.1).
Genomic context (GRCh38, chr2:54,632,581, plus strand): 5'-GATCCTTCATTGATCTGCTATGATTTGTTCCTCTTTTTAAATAAGGAGTATGTTCTGGCT[C>T]ACACTGAAATGCCTACCACCTTGGAAGGAGCTGAAGCAGCAATTAAAAAGCAAGAGGACT-3'
Protein context (NP_003119.2, residues 1184-1204): FLNNQEYVLA[His1194Tyr]TEMPTTLEGA

ClinVar aggregate classification (germline): Uncertain significance (1 of 4 stars; one submission).

Submission:

GeneDx
Classification: Uncertain significance. Last evaluated: 2025-05-08. Review status: criteria provided, single submitter. Criteria: GeneDx Variant Classification Process June 2021. Collection method: clinical testing. Allele origin: germline. Affected: yes.
Comment: Identified in a cohort of individuals with Parkinson's disease; however, detailed clinical and segregation information were not provided (PMID: 34148545); Not observed at significant frequency in large population cohorts (gnomAD); In silico analysis supports that this missense variant has a deleterious effect on protein structure/function; This variant is associated with the following publications: (PMID: 34148545)